The following is an entry in ClinVar:

ClinVar aggregate classification (germline): Conflicting classifications of pathogenicity. Review status: criteria provided, conflicting classifications (1 of 4 stars). 4 submissions from 4 submitters: Uncertain significance (3); Likely benign (1). Last evaluated 2025-11-13.

Conditions:
Intellectual developmental disorder, autosomal dominant 1. Also called: Intellectual disability, autosomal dominant 1; MBD5 Haploinsufficiency. Identifiers: Orphanet 228402, MedGen C1969562, MONDO:0007974, OMIM 156200.

Allele frequency attached by ClinVar (database versions not stated): ExAC 0.00002; TOPMed 0.00002; gnomAD 0.00003; gnomAD exomes 0.00003.
gnomAD v4.1: 26 of 1,613,972 alleles (0.0016%); highest among the groups gnomAD compares: Middle Eastern, 0.016%; 1 homozygote.

Submissions (4):

Labcorp Genetics (formerly Invitae), Labcorp
Classification: Uncertain significance for Intellectual developmental disorder, autosomal dominant 1. Last evaluated: 2025-11-13. Review status: criteria provided, single submitter. Criteria: Invitae Variant Classification Sherloc (09022015). Collection method: clinical testing. Allele origin: germline.
Comment: This sequence change replaces alanine, which is neutral and non-polar, with valine, which is neutral and non-polar, at codon 994 of the MBD5 protein (p.Ala994Val). This variant is present in population databases (rs773522192, gnomAD 0.006%). This missense change has been observed in individual(s) with clinical features of MBD5-related conditions (PMID: 28454995). ClinVar contains an entry for this variant (Variation ID: 206091). Invitae Evidence Modeling of protein sequence and biophysical properties (such as structural, functional, and spatial information, amino acid conservation, physicochemical variation, residue mobility, and thermodynamic stability) indicates that this missense variant is not expected to disrupt MBD5 protein function with a negative predictive value of 80%. In summary, the available evidence is currently insufficient to determine the role of this variant in disease. Therefore, it has been classified as a Variant of Uncertain Significance.

Blueprint Genetics
Classification: Likely benign. Last evaluated: 2023-12-01. Review status: criteria provided, single submitter. Criteria: ACMG Guidelines, 2015. Collection method: clinical testing. Allele origin: germline.

Revvity Omics, Revvity
Classification: Uncertain significance. Last evaluated: 2022-03-02. Review status: criteria provided, single submitter. Criteria: ACMG Guidelines, 2015. Collection method: clinical testing. Allele origin: germline.

GeneDx
Classification: Uncertain significance. Last evaluated: 2018-08-15. Review status: criteria provided, single submitter. Criteria: GeneDx Variant Classification (06012015). Collection method: clinical testing. Allele origin: germline. Affected: yes.
Comment: p.Ala994Val (GCG>GTG): c.2981 C>T in exon 11 of the MBD5 gene (NM_018328.4) The A994V variant has not been published as a mutation, nor has it been reported as a benign polymorphism to our knowledge. It was not observed in approximately 6,500 individuals of European and African American ancestry in the NHLBI Exome Sequencing Project, indicating it is not a common benign variant in these populations. The A994V variant is a conservative amino acid substitution, which is not likely to impact secondary protein structure as these residues share similar properties. This substitution occurs at a position that is conserved in mammals but is not conserved in more distantly related species. In silico analysis is inconsistent in its predictions as to whether or not the variant is damaging to the protein structure/function. To our knowledge, only deletions and frameshift mutations in MBD5 have been published in association with epilepsy. Therefore, based on the currently available information, it is unclear whether this variant is a pathogenic mutation or a rare benign variant. The variant is found in CHILD-EPIV2-1 panel(s).

Literature cited by the submitters: PubMed 28454995 (cited by Labcorp Genetics (formerly Invitae), Labcorp).

NM_001378120.1(MBD5):c.3680C>T (p.Ala1227Val)

Gene: MBD5 (methyl-CpG binding domain protein 5; plus strand). Cytogenetic location: 2q23.1.
Variant type: single nucleotide variant.
Coding change: c.3680C>T on transcript NM_001378120.1 (MANE Select); coding-DNA position 3680, C replaced by T.
Protein change: p.Ala1227Val; replaces alanine 1227 with valine.
Molecular consequence: missense variant.
Genome position (GRCh38, 1-based): chr2:148,485,877, C>T. VCF-style: chr2-148485877-C-T. GRCh37 (hg19) VCF-style: chr2-149243446-C-T.
Other names: p.A994V:GCG>GTG; c.2981C>T, p.Ala994Val (NM_018328.5); short protein forms A994V, A1227V.
Identifiers: ClinVar variation 206091 (VCV000206091.14), dbSNP rs773522192, ClinGen allele CA315838.